The following is an entry in ClinVar:

ClinVar aggregate classification (germline): Uncertain significance (1 of 4 stars; one submission).

Allele frequency attached by ClinVar (database versions not stated): gnomAD exomes below 0.00001; ExAC 0.00001; gnomAD 0.00001; TOPMed 0.00001.

Submission:

Labcorp Genetics (formerly Invitae), Labcorp
Classification: Uncertain significance. Last evaluated: 2021-09-01. Review status: criteria provided, single submitter. Criteria: Invitae Variant Classification Sherloc (09022015). Collection method: clinical testing. Allele origin: germline.
Comment: This sequence change replaces glycine with serine at codon 217 of the GUCY1A1 protein (p.Gly217Ser). The glycine residue is highly conserved and there is a small physicochemical difference between glycine and serine. This variant is present in population databases (rs746638427, ExAC 0.009%). This variant has not been reported in the literature in individuals affected with GUCY1A1-related conditions. Algorithms developed to predict the effect of missense changes on protein structure and function (SIFT, PolyPhen-2, Align-GVGD) all suggest that this variant is likely to be disruptive. Algorithms developed to predict the effect of sequence changes on RNA splicing suggest that this variant may create or strengthen a splice site. In summary, the available evidence is currently insufficient to determine the role of this variant in disease. Therefore, it has been classified as a Variant of Uncertain Significance.

NM_001130682.3(GUCY1A1):c.649G>A (p.Gly217Ser)

Gene: GUCY1A1 (guanylate cyclase 1 soluble subunit alpha 1; plus strand). Cytogenetic location: 4q32.1.
Variant type: single nucleotide variant.
Coding change: c.649G>A on transcript NM_001130682.3 (MANE Select); coding-DNA position 649, G replaced by A.
Protein change: p.Gly217Ser; replaces glycine 217 with serine.
Molecular consequence: missense variant. On other transcripts: 5 prime UTR variant (1), intron variant (1).
Genome position (GRCh38, 1-based): chr4:155,710,814, G>A. VCF-style: chr4-155710814-G-A. GRCh37 (hg19) VCF-style: chr4-156631966-G-A.
Other names: c.649G>A, p.Gly217Ser (NM_000856.6, NM_001130683.4, NM_001130684.3 and 12 more transcripts); c.-57G>A (NM_001130685.3); c.377-235G>A (NM_001379676.1); short protein forms G217S.
Identifiers: ClinVar variation 1480589 (VCV001480589.6), dbSNP rs746638427, ClinGen allele CA3117232.